The following is an entry in ClinVar:

ClinVar aggregate classification (germline): Uncertain significance (1 of 4 stars; one submission).

Conditions:
Cardiomyopathy (CMYO). Also called: Cardiomyopathies. Identifiers: Orphanet 167848, MedGen C0878544, MONDO:0004994, HP:0001638. Inheritance: Various modes of inheritance.

Allele frequency attached by ClinVar (database versions not stated): gnomAD 0.00001.
gnomAD v4.1: 1 of 1,614,078 alleles (0.000062%); highest among the groups gnomAD compares: South Asian, 0.0011%; no homozygotes.

Submission:

All of Us Research Program, National Institutes of Health
Classification: Uncertain significance for Cardiomyopathy. Last evaluated: 2023-11-30. Review status: criteria provided, single submitter. Criteria: ACMG Guidelines, 2015. Collection method: clinical testing. Allele origin: germline. Inheritance: Autosomal dominant inheritance. Observed: 3 variant alleles, 3 heterozygotes.
Comment: This missense variant replaces leucine with methionine at codon 1685 of the MYH7 protein. Computational prediction is inconclusive regarding the impact of this variant on protein structure and function (internally defined REVEL score threshold 0.5 < inconclusive < 0.7, PMID: 27666373). To our knowledge, functional studies have not been reported for this variant. This variant has not been reported in individuals affected with MYH7-related disorders in the literature. This variant has not been identified in the general population by the Genome Aggregation Database (gnomAD). The available evidence is insufficient to determine the role of this variant in disease conclusively. Therefore, this variant is classified as a Variant of Uncertain Significance.

This study involves interpretation of variants in research participants for the purpose of population health screening. Participant phenotype was not available at the time of variant classification. Additional details can be found in publication PMID: 35346344, PMCID: PMC8962531

NM_000257.4(MYH7):c.5053C>A (p.Leu1685Met)

Genes: MHRT (myosin heavy chain associated RNA transcript; plus strand), MYH7 (myosin heavy chain 7; minus strand), LOC126861897 (BRD4-independent group 4 enhancer GRCh37_chr14:23884455-23885654; plus strand). Cytogenetic location: 14q11.2.
Variant type: single nucleotide variant.
Coding change: c.5053C>A on transcript NM_000257.4 (MANE Select); coding-DNA position 5053, C replaced by A.
Protein change: p.Leu1685Met; replaces leucine 1685 with methionine.
Molecular consequence: missense variant. On other transcripts: non-coding transcript variant (1).
Genome position (GRCh38, 1-based): chr14:23,415,733, G>T on the plus strand (C>A on the coding strand, the complement: MYH7 is on the minus strand). VCF-style: chr14-23415733-G-T. GRCh37 (hg19) VCF-style: chr14-23884942-G-T.
Other names: c.5053C>A, p.Leu1685Met (NM_001407004.1); short protein forms L1685M.
Identifiers: ClinVar variation 3070077 (VCV003070077.1), dbSNP rs761548214, ClinGen allele CA389037058.
Genomic context (GRCh38, chr14:23,415,733, plus strand): 5'-CCTGCTCCGCCAGCTTCCGGGACCGCTCTGTCTGCTCCACCACGGCACGCAACTCCTCCA[G>T]CTCAGCCTGCAGCAGGTTGTTGCGCCGCTCCACGATGGCGATGTTCTCCTTCAGGTCGTC-3'
Protein context (NP_000248.2, residues 1675-1695): ERRNNLLQAE[Leu1685Met]EELRAVVEQT